The following is an entry in ClinVar:

ClinVar aggregate classification (germline): Uncertain significance (1 of 4 stars; one submission).

Allele frequency attached by ClinVar (database versions not stated): gnomAD exomes below 0.00001.
gnomAD v4.1: 2 of 1,614,182 alleles (0.00012%); highest among the groups gnomAD compares: Non-Finnish European, 0.00017%; no homozygotes.

Submission:

Labcorp Genetics (formerly Invitae), Labcorp
Classification: Uncertain significance. Last evaluated: 2022-02-10. Review status: criteria provided, single submitter. Criteria: Invitae Variant Classification Sherloc (09022015). Collection method: clinical testing. Allele origin: germline.
Comment: In summary, the available evidence is currently insufficient to determine the role of this variant in disease. Therefore, it has been classified as a Variant of Uncertain Significance. Algorithms developed to predict the effect of missense changes on protein structure and function output the following: SIFT: "Tolerated"; PolyPhen-2: "Benign"; Align-GVGD: "Class C0". The methionine amino acid residue is found in multiple mammalian species, which suggests that this missense change does not adversely affect protein function. ClinVar contains an entry for this variant (Variation ID: 1003182). This variant has not been reported in the literature in individuals affected with ELOVL4-related conditions. This variant is not present in population databases (gnomAD no frequency). This sequence change replaces isoleucine, which is neutral and non-polar, with methionine, which is neutral and non-polar, at codon 300 of the ELOVL4 protein (p.Ile300Met).

NM_022726.4(ELOVL4):c.900A>G (p.Ile300Met)

Gene: ELOVL4 (ELOVL fatty acid elongase 4; minus strand). Cytogenetic location: 6q14.1.
Variant type: single nucleotide variant.
Coding change: c.900A>G on transcript NM_022726.4 (MANE Select); coding-DNA position 900, A replaced by G.
Protein change: p.Ile300Met; replaces isoleucine 300 with methionine.
Molecular consequence: missense variant.
Genome position (GRCh38, 1-based): chr6:79,916,653, T>C on the plus strand (A>G on the coding strand, the complement: ELOVL4 is on the minus strand). VCF-style: chr6-79916653-T-C. GRCh37 (hg19) VCF-style: chr6-80626370-T-C.
Other names: short protein forms I300M.
Identifiers: ClinVar variation 1003182 (VCV001003182.8), dbSNP rs1774166141, ClinGen allele CA364655599.